The following is an entry in ClinVar:

ClinVar aggregate classification (germline): Benign/Likely benign. Review status: criteria provided, multiple submitters, no conflicts (2 of 4 stars). 11 submissions from 11 submitters: Benign (8); Likely benign (1). 2 of the submissions do not count toward it. Last evaluated 2026-02-04.

Conditions:
Nemaline myopathy 2 (NEM2). Also called: Nemaline myopathy 2, autosomal recessive. Identifiers: MedGen C1850569, MONDO:0009725, OMIM 256030.

Allele frequency attached by ClinVar (database versions not stated): 1000 Genomes Project 0.00599; 1000 Genomes Project 30x 0.00625; gnomAD 0.00972 and 0.01021; TOPMed 0.01008; gnomAD exomes 0.01183 and 0.01386; ExAC 0.01241; ESP Exome Variant Server 0.01274.
gnomAD v4.1: 21,798 of 1,613,324 alleles (1.4%); highest among the groups gnomAD compares: South Asian, 2.3%; 221 homozygotes.

Submissions (11):

Labcorp Genetics (formerly Invitae), Labcorp
Classification: Benign for Nemaline myopathy 2. Last evaluated: 2026-02-04. Review status: criteria provided, single submitter. Criteria: Invitae Variant Classification Sherloc (09022015). Collection method: clinical testing. Allele origin: germline.

Blueprint Genetics
Classification: Likely benign. Last evaluated: 2024-11-26. Review status: criteria provided, single submitter. Criteria: ACMG Guidelines, 2015. Collection method: clinical testing. Allele origin: germline.

Athena Diagnostics
Classification: Benign. Last evaluated: 2024-01-26. Review status: criteria provided, single submitter. Criteria: Athena Diagnostics Criteria. Collection method: clinical testing. Allele origin: unknown.

Women's Health and Genetics/Laboratory Corporation of America, LabCorp
Classification: Benign. Last evaluated: 2021-05-23. Review status: criteria provided, single submitter. Criteria: LabCorp Variant Classification Summary - May 2015. Collection method: clinical testing. Allele origin: germline.

Illumina Laboratory Services, Illumina
Classification: Benign for Nemaline myopathy 2. Last evaluated: 2018-01-13. Review status: criteria provided, single submitter. Criteria: ICSL Variant Classification Criteria 13 December 2019. Collection method: clinical testing. Allele origin: germline.
Comment: This variant was observed in the ICSL laboratory as part of a predisposition screen in an ostensibly healthy population. It had not been previously curated by ICSL or reported in the Human Gene Mutation Database (HGMD: prior to June 1st, 2018), and was therefore a candidate for classification through an automated scoring system. Utilizing variant allele frequency, disease prevalence and penetrance estimates, and inheritance mode, an automated score was calculated to assess if this variant is too frequent to cause the disease. Based on the score and internal cut-off values, a variant classified as benign is not then subjected to further curation. The score for this variant resulted in a classification of benign for this disease.

Mayo Clinic Laboratories, Mayo Clinic
Classification: Benign. Last evaluated: 2017-12-01. Review status: criteria provided, single submitter. Criteria: ACMG Guidelines, 2015. Collection method: clinical testing. Allele origin: germline. Observed: 12 variant alleles.

GeneDx
Classification: Benign. Last evaluated: 2016-02-29. Review status: criteria provided, single submitter. Criteria: GeneDx Variant Classification (06012015). Collection method: clinical testing. Allele origin: germline. Affected: yes.
Comment: This variant is considered likely benign or benign based on one or more of the following criteria: it is a conservative change, it occurs at a poorly conserved position in the protein, it is predicted to be benign by multiple in silico algorithms, and/or has population frequency not consistent with disease.

Breakthrough Genomics
Classification: Benign. Review status: criteria provided, single submitter. Criteria: ACMG Guidelines, 2015. Collection method: not provided. Allele origin: germline. Inheritance: Autosomal recessive inheritance. Affected: yes.

PreventionGenetics, part of Exact Sciences
Classification: Benign. Review status: criteria provided, single submitter. Criteria: ACMG Guidelines, 2015. Collection method: clinical testing. Allele origin: germline.

Natera, Inc.
Classification: Benign for Nemaline myopathy type 2. Last evaluated: 2020-09-16. Review status: no assertion criteria provided. Collection method: clinical testing. Allele origin: germline. Not counted in ClinVar's aggregate classification.

Genetic Services Laboratory, University of Chicago
Classification: Likely benign for AllHighlyPenetrant. Review status: no assertion criteria provided. Collection method: clinical testing. Allele origin: germline. Inheritance: Autosomal recessive inheritance. Not counted in ClinVar's aggregate classification.
Comment: Likely benign based on allele frequency in 1000 Genomes Project or ESP global frequency and its presence in a patient with a rare or unrelated disease phenotype. NOT Sanger confirmed.

Literature cited by the submitters: PubMed 23443021 (cited by Athena Diagnostics).

NM_001164508.2(NEB):c.18555G>A (p.Lys6185=)

Gene: NEB (nebulin; minus strand). Cytogenetic location: 2q23.3.
Variant type: single nucleotide variant.
Coding change: c.18555G>A on transcript NM_001164508.2 (MANE Select); coding-DNA position 18555, G replaced by A.
Protein change: p.Lys6185=; no amino-acid change (lysine 6185 retained).
Molecular consequence: synonymous variant.
Genome position (GRCh38, 1-based): chr2:151,563,847, C>T on the plus strand (G>A on the coding strand, the complement: NEB is on the minus strand). VCF-style: chr2-151563847-C-T. GRCh37 (hg19) VCF-style: chr2-152420361-C-T.
Other names: p.Lys6185=; c.18555G>A, p.Lys6185= (NM_001164507.2, NM_001271208.2); c.13452G>A, p.Lys4484= (NM_004543.5).
Identifiers: ClinVar variation 129713 (VCV000129713.26), dbSNP rs145252235, ClinGen allele CA153900.